The following is an entry in ClinVar:

ClinVar aggregate classification (germline): Uncertain significance (1 of 4 stars; one submission).

Submission:

GeneDx
Classification: Uncertain significance. Last evaluated: 2025-06-12. Review status: criteria provided, single submitter. Criteria: GeneDx Variant Classification Process June 2021. Collection method: clinical testing. Allele origin: germline. Affected: yes.
Comment: Not observed at significant frequency in large population cohorts (gnomAD); In silico analysis suggests that this missense variant does not alter protein structure/function; Has not been previously published as pathogenic or benign to our knowledge

NM_001379451.1(BCORL1):c.5224C>T (p.Pro1742Ser)

Gene: BCORL1 (BCL6 corepressor like 1; plus strand). Cytogenetic location: Xq26.1.
Variant type: single nucleotide variant.
Coding change: c.5224C>T on transcript NM_001379451.1 (MANE Select); coding-DNA position 5224, C replaced by T.
Protein change: p.Pro1742Ser; replaces proline 1742 with serine.
Molecular consequence: missense variant.
Genome position (GRCh38, 1-based): chrX:130,056,002, C>T. VCF-style: chrX-130056002-C-T. GRCh37 (hg19) VCF-style: chrX-129189977-C-T.
Other names: c.5224C>T, p.Pro1742Ser (NM_001184772.3, NM_001379450.1, NM_001441326.1 and 2 more transcripts); c.4834C>T, p.Pro1612Ser (NM_001441329.1, NM_001441330.1, NM_001441331.1 and 1 more transcripts); c.5002C>T, p.Pro1668Ser (NM_021946.5); short protein forms P1612S, P1668S, P1742S.
Identifiers: ClinVar variation 4538700 (VCV004538700.1).
Genomic context (GRCh38, chrX:130,056,002, plus strand): 5'-ATCACCACCATGCCCAAGGCCGAGTTCTACAGGCAGGTGGCCTCCAGTCAGCTGCTGACC[C>T]CTGCCGAGAGGCCTGGAGGCTTGGACGACAGATCCCCCCCAGGCTCCTCTGAGACTGTGG-3'
Protein context (NP_001366380.1, residues 1732-1752): RQVASSQLLT[Pro1742Ser]AERPGGLDDR